The following is an entry in ClinVar:

ClinVar aggregate classification (germline): Benign/Likely benign. Review status: criteria provided, multiple submitters, no conflicts (2 of 4 stars). 4 submissions from 4 submitters: Benign (2); Likely benign (2). Last evaluated 2025-09-01.

Allele frequency attached by ClinVar (database versions not stated): 1000 Genomes Project 0.00040; ExAC 0.00218; gnomAD 0.00221 and 0.00234; gnomAD exomes 0.00221 and 0.00410; TOPMed 0.00227; 1000 Genomes Project 30x 0.00031; ESP Exome Variant Server 0.00338.
gnomAD v4.1: 6,260 of 1,614,018 alleles (0.39%); highest among the groups gnomAD compares: Non-Finnish European, 0.49%; 19 homozygotes.

Submissions (4):

CeGaT Center for Human Genetics Tuebingen
Classification: Likely benign. Last evaluated: 2025-09-01. Review status: criteria provided, single submitter. Criteria: CeGaT Center For Human Genetics Tuebingen Variant Classification Criteria Version 2. Collection method: clinical testing. Allele origin: germline. Affected: yes. Observed: 1 variant allele.
Comment: SLC30A2: BP4, BP7, BS2

Blueprint Genetics
Classification: Likely benign. Last evaluated: 2024-11-20. Review status: criteria provided, single submitter. Criteria: ACMG Guidelines, 2015. Collection method: clinical testing. Allele origin: germline.

Labcorp Genetics (formerly Invitae), Labcorp
Classification: Benign. Last evaluated: 2018-08-14. Review status: criteria provided, single submitter. Criteria: Invitae Variant Classification Sherloc (09022015). Collection method: clinical testing. Allele origin: germline.

Breakthrough Genomics
Classification: Benign. Review status: criteria provided, single submitter. Criteria: ACMG Guidelines, 2015. Collection method: not provided. Allele origin: germline. Inheritance: Autosomal dominant inheritance. Affected: yes.

NM_001004434.3(SLC30A2):c.921T>C (p.His307=)

Gene: SLC30A2 (solute carrier family 30 member 2; minus strand). Cytogenetic location: 1p36.11.
Variant type: single nucleotide variant.
Coding change: c.921T>C on transcript NM_001004434.3 (MANE Select); coding-DNA position 921, T replaced by C.
Protein change: p.His307=; no amino-acid change (histidine 307 retained).
Molecular consequence: synonymous variant.
Genome position (GRCh38, 1-based): chr1:26,039,829, A>G on the plus strand (T>C on the coding strand, the complement: SLC30A2 is on the minus strand). VCF-style: chr1-26039829-A-G. GRCh37 (hg19) VCF-style: chr1-26366320-A-G.
Other names: c.774T>C, p.His258= (NM_032513.5).
Identifiers: ClinVar variation 789148 (VCV000789148.12), dbSNP rs35925054, ClinGen allele CA699127.